The following is an entry in ClinVar:

ClinVar aggregate classification (germline): Benign (0 of 4 stars; one submission).

Conditions:
PADI4-related disorder. Also called: PADI4-related condition.

Allele frequency attached by ClinVar (database versions not stated): gnomAD exomes 0.00047; ExAC 0.00133; gnomAD 0.00468; ESP Exome Variant Server 0.00477; TOPMed 0.00544; 1000 Genomes Project 30x 0.00562; 1000 Genomes Project 0.00639.

Submission:

PreventionGenetics, part of Exact Sciences
Classification: Benign for PADI4-related condition. Last evaluated: 2019-06-05. Review status: no assertion criteria provided. Collection method: clinical testing. Allele origin: germline.
Comment: This variant is classified as benign based on ACMG/AMP sequence variant interpretation guidelines (Richards et al. 2015 PMID: 25741868, with internal and published modifications).

NM_012387.3(PADI4):c.491T>C (p.Met164Thr)

Gene: PADI4 (peptidyl arginine deiminase 4; plus strand). Cytogenetic location: 1p36.13.
Variant type: single nucleotide variant.
Coding change: c.491T>C on transcript NM_012387.3 (MANE Select); coding-DNA position 491, T replaced by C.
Protein change: p.Met164Thr; replaces methionine 164 with threonine.
Molecular consequence: missense variant.
Genome position (GRCh38, 1-based): chr1:17,338,120, T>C. VCF-style: chr1-17338120-T-C. GRCh37 (hg19) VCF-style: chr1-17664615-T-C.
Other names: short protein forms M164T.
Identifiers: ClinVar variation 3044642 (VCV003044642.2), dbSNP rs11588132, ClinGen allele CA640538.